The following is an entry in ClinVar:

NM_000492.4(CFTR):c.257T>A (p.Ile86Asn)

Gene: CFTR (CF transmembrane conductance regulator; plus strand). Cytogenetic location: 7q31.2.
Variant type: single nucleotide variant.
Coding change: c.257T>A on transcript NM_000492.4 (MANE Select); coding-DNA position 257, T replaced by A.
Protein change: p.Ile86Asn; replaces isoleucine 86 with asparagine.
Molecular consequence: missense variant.
Genome position (GRCh38, 1-based): chr7:117,509,126, T>A. VCF-style: chr7-117509126-T-A. GRCh37 (hg19) VCF-style: chr7-117149180-T-A.
Other names: short protein forms I86N.
Identifiers: ClinVar variation 1440786 (VCV001440786.6), dbSNP rs1798471787, ClinGen allele CA368972285.

ClinVar aggregate classification (germline): Uncertain significance. Review status: criteria provided, multiple submitters, no conflicts (2 of 4 stars). 2 submissions from 2 submitters: Uncertain significance (2). Last evaluated 2025-04-23.

Conditions:
Cystic fibrosis (CF). Also called: MUCOVISCIDOSIS. Identifiers: Orphanet 586, MedGen C0010674, MONDO:0009061, OMIM 219700. Disease mechanism: loss of function.

Allele frequency attached by ClinVar (database versions not stated): TOPMed below 0.00001.

Submissions (2):

ARUP Laboratories, Molecular Genetics and Genomics, ARUP Laboratories
Classification: Uncertain significance. Last evaluated: 2025-04-23. Review status: criteria provided, single submitter. Criteria: ARUP Molecular Germline Variant Investigation Process 2024. Collection method: clinical testing. Allele origin: germline.
Comment: The CFTR c.257T>A; p.Ile86Asn variant (rs1798471787), to our knowledge, is not reported in the medical literature but is reported in ClinVar (Variation ID: 1440786). This variant is absent from the Genome Aggregation Database (v2.1.1), indicating it is not a common polymorphism. Computational analyses predict that this variant is deleterious (REVEL: 0.876). Due to limited information, the clinical significance of this variant is uncertain at this time.

Labcorp Genetics (formerly Invitae), Labcorp
Classification: Uncertain significance for Cystic fibrosis. Last evaluated: 2021-09-17. Review status: criteria provided, single submitter. Criteria: Invitae Variant Classification Sherloc (09022015). Collection method: clinical testing. Allele origin: germline.
Comment: This sequence change replaces isoleucine with asparagine at codon 86 of the CFTR protein (p.Ile86Asn). The isoleucine residue is moderately conserved and there is a large physicochemical difference between isoleucine and asparagine. This variant is not present in population databases (ExAC no frequency). This variant has not been reported in the literature in individuals affected with CFTR-related conditions. Algorithms developed to predict the effect of missense changes on protein structure and function are either unavailable or do not agree on the potential impact of this missense change (SIFT: "Deleterious"; PolyPhen-2: "Possibly Damaging"; Align-GVGD: "Class C0"). In summary, the available evidence is currently insufficient to determine the role of this variant in disease. Therefore, it has been classified as a Variant of Uncertain Significance.